The following is an entry in ClinVar:

NM_000368.5(TSC1):c.*376C>T

Gene: TSC1 (TSC complex subunit 1; minus strand). Cytogenetic location: 9q34.13.
Variant type: single nucleotide variant.
Coding change: c.*376C>T on transcript NM_000368.5 (MANE Select); 376 bases downstream of the stop codon, C replaced by T.
Molecular consequence: 3 prime UTR variant.
Genome position (GRCh38, 1-based): chr9:132,895,859, G>A on the plus strand (C>T on the coding strand, the complement: TSC1 is on the minus strand). VCF-style: chr9-132895859-G-A. GRCh37 (hg19) VCF-style: chr9-135771246-G-A.
Other names: c.*376C>T (NM_001162426.2, NM_001162427.2, NM_001362177.2).
Identifiers: ClinVar variation 365499 (VCV000365499.6), dbSNP rs114064768, ClinGen allele CA10632701.
Genomic context (GRCh38, chr9:132,895,859, plus strand): 5'-TACCTGCAATGCAACAAACTACCTGGTCTAATTGAGAGCCAACCCAGTTATCTGAACTTC[G>A]GGAAAGCAGAAAGTGGTGTGTTAGACTCAAAGATTAAATTTGGCCTCATATTGCACAGGT-3'

ClinVar aggregate classification (germline): Benign. Review status: criteria provided, multiple submitters, no conflicts (2 of 4 stars). 3 submissions from 2 submitters: Benign (3). Last evaluated 2021-05-26.

Conditions:
Isolated focal cortical dysplasia type II (FCORD2). Also called: CORTICAL DYSPLASIA OF TAYLOR; Focal cortical dysplasia type II. Identifiers: Orphanet 268994, MedGen C1846385, MONDO:0011818, OMIM 607341, HP:0032051.
Tuberous sclerosis 1 (TSC1). Identifiers: Orphanet 805, MedGen C1854465, MONDO:0008612, OMIM 191100.

Allele frequency attached by ClinVar (database versions not stated): gnomAD exomes 0.00432; gnomAD 0.02387 and 0.02541; 1000 Genomes Project 0.02576; 1000 Genomes Project 30x 0.02748; TOPMed 0.02792.
gnomAD v4.1: 4,462 of 337,068 alleles (1.3%); highest among the groups gnomAD compares: African/African-American, 7.8%; 149 homozygotes.

Submissions (3):

GeneDx
Classification: Benign. Last evaluated: 2021-05-26. Review status: criteria provided, single submitter. Criteria: GeneDx Variant Classification Process June 2021. Collection method: clinical testing. Allele origin: germline. Affected: yes.

Illumina Laboratory Services, Illumina
Classification: Benign for Isolated focal cortical dysplasia type II. Last evaluated: 2018-01-23. Review status: criteria provided, single submitter. Criteria: ICSL Variant Classification Criteria 13 December 2019. Collection method: clinical testing. Allele origin: germline.
Comment: This variant was observed as part of a predisposition screen in an ostensibly healthy population. A literature search was performed for the gene, cDNA change, and amino acid change (where applicable). No publications were found based on this search. Allele frequency data from public databases was too high to be consistent with this variant causing disease. Therefore, this variant is classified as benign.

Illumina Laboratory Services, Illumina
Classification: Benign for Tuberous sclerosis 1. Last evaluated: 2018-01-23. Review status: criteria provided, single submitter. Criteria: ICSL Variant Classification Criteria 13 December 2019. Collection method: clinical testing. Allele origin: germline.
Comment: the same text as in the submission from Illumina Laboratory Services, Illumina above.